The following is an entry in ClinVar:

NM_014714.4(IFT140):c.3302C>T (p.Ala1101Val)

Gene: IFT140 (intraflagellar transport 140; minus strand). Cytogenetic location: 16p13.3.
Variant type: single nucleotide variant.
Coding change: c.3302C>T on transcript NM_014714.4 (MANE Select); coding-DNA position 3302, C replaced by T.
Protein change: p.Ala1101Val; replaces alanine 1101 with valine.
Molecular consequence: missense variant.
Genome position (GRCh38, 1-based): chr16:1,523,669, G>A on the plus strand (C>T on the coding strand, the complement: IFT140 is on the minus strand). VCF-style: chr16-1523669-G-A. GRCh37 (hg19) VCF-style: chr16-1573670-G-A.
Other names: short protein forms A1101V.
Identifiers: ClinVar variation 962753 (VCV000962753.10), dbSNP rs773291603, ClinGen allele CA7813204.

ClinVar aggregate classification (germline): Uncertain significance. Review status: criteria provided, multiple submitters, no conflicts (2 of 4 stars). 2 submissions from 2 submitters: Uncertain significance (2). Last evaluated 2025-02-01.

Conditions:
Inborn genetic diseases. Identifiers: MedGen C0950123, MeSH D030342.
Saldino-Mainzer syndrome (SRTD9). Also called: CONORENAL SYNDROME; SHORT-RIB THORACIC DYSPLASIA 9 WITHOUT POLYDACTYLY; short-rib thoracic dysplasia 9 with or without polydactyly; Renal dysplasia, retinal pigmentary dystrophy, cerebellar ataxia and skeletal dysplasia. Identifiers: Orphanet 140969, MedGen C1849437, MONDO:0009964, OMIM 266920.

Allele frequency attached by ClinVar (database versions not stated): gnomAD exomes below 0.00001 and 0.00003; ExAC 0.00001; TOPMed 0.00002; gnomAD 0.00003.
gnomAD v4.1: 50 of 1,613,718 alleles (0.0031%); highest among the groups gnomAD compares: Non-Finnish European, 0.0042%; no homozygotes.

Submissions (2):

Ambry Genetics
Classification: Uncertain significance for Inborn genetic diseases. Last evaluated: 2025-02-01. Review status: criteria provided, single submitter. Criteria: Ambry Variant Classification Scheme 2023. Collection method: clinical testing. Allele origin: germline.

Labcorp Genetics (formerly Invitae), Labcorp
Classification: Uncertain significance for Saldino-Mainzer syndrome. Last evaluated: 2023-07-10. Review status: criteria provided, single submitter. Criteria: Invitae Variant Classification Sherloc (09022015). Collection method: clinical testing. Allele origin: germline.
Comment: This sequence change replaces alanine, which is neutral and non-polar, with valine, which is neutral and non-polar, at codon 1101 of the IFT140 protein (p.Ala1101Val). This variant is present in population databases (rs773291603, gnomAD 0.002%). This variant has not been reported in the literature in individuals affected with IFT140-related conditions. ClinVar contains an entry for this variant (Variation ID: 962753). Advanced modeling of protein sequence and biophysical properties (such as structural, functional, and spatial information, amino acid conservation, physicochemical variation, residue mobility, and thermodynamic stability) has been performed at Invitae for this missense variant, however the output from this modeling did not meet the statistical confidence thresholds required to predict the impact of this variant on IFT140 protein function. In summary, the available evidence is currently insufficient to determine the role of this variant in disease. Therefore, it has been classified as a Variant of Uncertain Significance.